The following is an entry in ClinVar:

ClinVar aggregate classification (germline): Conflicting classifications of pathogenicity. Review status: criteria provided, conflicting classifications (1 of 4 stars). 2 submissions from 2 submitters: Uncertain significance (1); Likely benign (1). Last evaluated 2023-01-02.

Conditions:
Frontotemporal dementia and/or amyotrophic lateral sclerosis 4. Also called: FTDALS4. Identifiers: Orphanet 275872, MedGen C4225325, MONDO:0014641, OMIM 616439.

Allele frequency attached by ClinVar (database versions not stated): TOPMed below 0.00001; gnomAD 0.00001; gnomAD exomes 0.00003; ExAC 0.00005.

Submissions (2):

Labcorp Genetics (formerly Invitae), Labcorp
Classification: Likely benign for Frontotemporal dementia and/or amyotrophic lateral sclerosis 4. Last evaluated: 2023-01-02. Review status: criteria provided, single submitter. Criteria: Invitae Variant Classification Sherloc (09022015). Collection method: clinical testing. Allele origin: germline.

GeneDx
Classification: Uncertain significance. Last evaluated: 2021-02-25. Review status: criteria provided, single submitter. Criteria: GeneDx Variant Classification Process June 2021. Collection method: clinical testing. Allele origin: germline. Affected: yes.
Comment: Previously reported as a variant of uncertain significance in a patient with a frontotemporal dementia diagnosis published in the literature (Kim et al., 2018); In silico analysis supports that this missense variant does not alter protein structure/function; This variant is associated with the following publications: (PMID: 30054184)

NM_013254.4(TBK1):c.1207C>T (p.His403Tyr)

Gene: TBK1 (TANK binding kinase 1; plus strand). Cytogenetic location: 12q14.2.
Variant type: single nucleotide variant.
Coding change: c.1207C>T on transcript NM_013254.4 (MANE Select); coding-DNA position 1207, C replaced by T.
Protein change: p.His403Tyr; replaces histidine 403 with tyrosine.
Molecular consequence: missense variant.
Genome position (GRCh38, 1-based): chr12:64,485,472, C>T. VCF-style: chr12-64485472-C-T. GRCh37 (hg19) VCF-style: chr12-64879252-C-T.
Other names: short protein forms H403Y.
Identifiers: ClinVar variation 1315664 (VCV001315664.6), dbSNP rs749709445, ClinGen allele CA6669005.